The following is an entry in ClinVar:

NM_000245.4(MET):c.1863-7T>C

Gene: MET (MET proto-oncogene, receptor tyrosine kinase; plus strand). Cytogenetic location: 7q31.2.
Variant type: single nucleotide variant.
Coding change: c.1863-7T>C on transcript NM_000245.4 (MANE Select); 7 bases into the intron before coding-DNA position 1863, T replaced by C.
Molecular consequence: intron variant.
Genome position (GRCh38, 1-based): chr7:116,757,430, T>C. VCF-style: chr7-116757430-T-C. GRCh37 (hg19) VCF-style: chr7-116397484-T-C.
Other names: c.1863-7T>C (NM_001127500.3, NM_001324401.3); c.573-7T>C (NM_001324402.2).
Identifiers: ClinVar variation 1138658 (VCV001138658.10), dbSNP rs763829971, ClinGen allele CA4448310.

ClinVar aggregate classification (germline): Likely benign. Review status: criteria provided, multiple submitters, no conflicts (2 of 4 stars). 2 submissions from 2 submitters: Likely benign (2). Last evaluated 2024-11-08.

Conditions:
Renal cell carcinoma. Identifiers: Orphanet 217071, MedGen C0007134, MeSH D002292, MONDO:0005086, HP:0005584.
Papillary renal cell carcinoma type 1 (RCCP1). Also called: Renal adenocarcinoma; Renal cell carcinoma 1; Renal cell carcinoma, somatic; RENAL CELL CARCINOMA, PAPILLARY, 1, SOMATIC. Identifiers: Orphanet 47044, MedGen C1336839, OMIM 605074, HP:0011797.

Allele frequency attached by ClinVar (database versions not stated): gnomAD exomes below 0.00001; ExAC 0.00001.

Submissions (2):

Myriad Genetics, Inc.
Classification: Likely benign for Papillary renal cell carcinoma type 1. Last evaluated: 2024-11-08. Review status: criteria provided, single submitter. Criteria: Myriad Autosomal Dominant, Autosomal Recessive and X-Linked Classification Criteria (2023). Collection method: clinical testing. Allele origin: unknown.
Comment: This variant is considered likely benign. This variant is intronic and is not expected to impact mRNA splicing.

Labcorp Genetics (formerly Invitae), Labcorp
Classification: Likely benign for Renal cell carcinoma. Last evaluated: 2022-09-01. Review status: criteria provided, single submitter. Criteria: Invitae Variant Classification Sherloc (09022015). Collection method: clinical testing. Allele origin: germline.